The following is an entry in ClinVar:

ClinVar aggregate classification (germline): Benign. Review status: criteria provided, multiple submitters, no conflicts (2 of 4 stars). 2 submissions from 2 submitters: Benign (2). Last evaluated 2018-01-12.

Conditions:
Growth delay due to insulin-like growth factor I resistance. Also called: Somatomedin end-organ insensitivity to; Somatomedin-c resistance to; IGF-1 resistance; IGF-I RESISTANCE; Insulin-Like Growth Factor I Resistance. Identifiers: Orphanet 73273, MedGen C1849157, MONDO:0010038, OMIM 270450.

Allele frequency attached by ClinVar (database versions not stated): gnomAD 0.14379 and 0.14939; TOPMed 0.15148; 1000 Genomes Project 30x 0.19925; 1000 Genomes Project 0.20327.
gnomAD v4.1: 37,163 of 233,124 alleles (16%); highest among the groups gnomAD compares: East Asian, 36%; 3,450 homozygotes.

Submissions (2):

Illumina Laboratory Services, Illumina
Classification: Benign for Growth delay due to insulin-like growth factor I resistance. Last evaluated: 2018-01-12. Review status: criteria provided, single submitter. Criteria: ICSL Variant Classification Criteria 13 December 2019. Collection method: clinical testing. Allele origin: germline.
Comment: This variant was observed in the ICSL laboratory as part of a predisposition screen in an ostensibly healthy population. It had not been previously curated by ICSL or reported in the Human Gene Mutation Database (HGMD: prior to June 1st, 2018), and was therefore a candidate for classification through an automated scoring system. Utilizing variant allele frequency, disease prevalence and penetrance estimates, and inheritance mode, an automated score was calculated to assess if this variant is too frequent to cause the disease. Based on the score and internal cut-off values, a variant classified as benign is not then subjected to further curation. The score for this variant resulted in a classification of benign for this disease.

Breakthrough Genomics
Classification: Benign. Review status: criteria provided, single submitter. Criteria: ACMG Guidelines, 2015. Collection method: not provided. Allele origin: germline. Inheritance: Autosomal dominant inheritance. Affected: yes.

NM_000875.5(IGF1R):c.*4645C>T

Gene: IGF1R (insulin like growth factor 1 receptor; plus strand). Cytogenetic location: 15q26.3.
Variant type: single nucleotide variant.
Coding change: c.*4645C>T on transcript NM_000875.5 (MANE Select); 4645 bases downstream of the stop codon, C replaced by T.
Molecular consequence: 3 prime UTR variant.
Genome position (GRCh38, 1-based): chr15:98,962,087, C>T. VCF-style: chr15-98962087-C-T. GRCh37 (hg19) VCF-style: chr15-99505316-C-T.
Other names: c.*4645C>T (NM_001291858.2).
Identifiers: ClinVar variation 317588 (VCV000317588.6), dbSNP rs3743250, ClinGen allele CA10636823.
Genomic context (GRCh38, chr15:98,962,087, plus strand): 5'-TAGGCCAGTTTGTTCCACTGAAGCTTTTCCCACAGCAGTCCACCTCTGCAGGCTGGCAGC[C>T]GAATGGCTTGCCAGTGGCTCTGTGGCAAGATCACACTGAGATCGATGGGTGAGAAGGCTA-3'